The following is an entry in ClinVar:

NM_004525.3(LRP2):c.8609A>G (p.Gln2870Arg)

Gene: LRP2 (LDL receptor related protein 2; minus strand). Cytogenetic location: 2q31.1.
Variant type: single nucleotide variant.
Coding change: c.8609A>G on transcript NM_004525.3 (MANE Select); coding-DNA position 8609, A replaced by G.
Protein change: p.Gln2870Arg; replaces glutamine 2870 with arginine.
Molecular consequence: missense variant.
Genome position (GRCh38, 1-based): chr2:169,197,000, T>C on the plus strand (A>G on the coding strand, the complement: LRP2 is on the minus strand). VCF-style: chr2-169197000-T-C. GRCh37 (hg19) VCF-style: chr2-170053510-T-C.
Other names: c.8609A>G (NM_004525.2); short protein forms Q2870R.
Identifiers: ClinVar variation 1440167 (VCV001440167.7), dbSNP rs760630762, ClinGen allele CA1953800.
Genomic context (GRCh38, chr2:169,197,000, plus strand): 5'-AAACAATCTGTTTCTTGATCACAATACCAATGTTGAGGAATACAGCGCCCAGATGCGCAT[T>C]GGAACTCACTGCTGCTGCACGTGTGAGTGGCTGCAGGAGGGAAAGAAGATAAAACCCATG-3'
Protein context (NP_004516.2, residues 2860-2880): TTHTCSSSEF[Gln2870Arg]CASGRCIPQH

ClinVar aggregate classification (germline): Uncertain significance. Review status: criteria provided, multiple submitters, no conflicts (2 of 4 stars). 4 submissions from 4 submitters: Uncertain significance (4). Last evaluated 2025-03-17.

Conditions:
Donnai-Barrow syndrome. Also called: DBS/FOAR SYNDROME; FACIOOCULOACOUSTICORENAL SYNDROME. Identifiers: Orphanet 2143, MedGen C1857277, MONDO:0009104, OMIM 222448.
Inborn genetic diseases. Identifiers: MedGen C0950123, MeSH D030342.

Allele frequency attached by ClinVar (database versions not stated): ExAC 0.00001; gnomAD exomes 0.00002; TOPMed 0.00009; gnomAD 0.00010 and 0.00011.
gnomAD v4.1: 46 of 1,613,970 alleles (0.0029%); highest among the groups gnomAD compares: African/African-American, 0.036%; no homozygotes.

Submissions (4):

GeneDx
Classification: Uncertain significance. Last evaluated: 2025-03-17. Review status: criteria provided, single submitter. Criteria: GeneDx Variant Classification Process June 2021. Collection method: clinical testing. Allele origin: germline. Affected: yes.
Comment: In silico analysis indicates that this missense variant does not alter protein structure/function; Has not been previously published as pathogenic or benign to our knowledge

Ambry Genetics
Classification: Uncertain significance for Inborn genetic diseases. Last evaluated: 2024-12-07. Review status: criteria provided, single submitter. Criteria: Ambry Variant Classification Scheme 2023. Collection method: clinical testing. Allele origin: germline.

Labcorp Genetics (formerly Invitae), Labcorp
Classification: Uncertain significance. Last evaluated: 2022-06-13. Review status: criteria provided, single submitter. Criteria: Invitae Variant Classification Sherloc (09022015). Collection method: clinical testing. Allele origin: germline.
Comment: This sequence change replaces glutamine, which is neutral and polar, with arginine, which is basic and polar, at codon 2870 of the LRP2 protein (p.Gln2870Arg). This variant is present in population databases (rs760630762, gnomAD 0.03%). This variant has not been reported in the literature in individuals affected with LRP2-related conditions. Advanced modeling of protein sequence and biophysical properties (such as structural, functional, and spatial information, amino acid conservation, physicochemical variation, residue mobility, and thermodynamic stability) performed at Invitae indicates that this missense variant is not expected to disrupt LRP2 protein function. In summary, the available evidence is currently insufficient to determine the role of this variant in disease. Therefore, it has been classified as a Variant of Uncertain Significance.

Fulgent Genetics
Classification: Uncertain significance for Donnai-Barrow syndrome. Last evaluated: 2021-12-29. Review status: criteria provided, single submitter. Criteria: ACMG Guidelines, 2015. Collection method: clinical testing. Allele origin: unknown.